The following is an entry in ClinVar:

NM_000263.4(NAGLU):c.490del (p.Leu164fs)

Gene: NAGLU (N-acetyl-alpha-glucosaminidase; plus strand). Cytogenetic location: 17q21.2.
Variant type: Deletion.
Coding change: c.490del on transcript NM_000263.4 (MANE Select); coding-DNA position 490, one base deleted (C; older notation c.490delC).
Protein change: p.Leu164fs; shifts the reading frame from leucine 164.
Molecular consequence: frameshift variant.
Genome position (GRCh38, 1-based): chr17:42,537,504, C deleted; the last of 2 consecutive C bases (chr17:42,537,503-42,537,504); deleting either gives the same sequence. VCF-style (leftmost placement, unchanged base first): chr17-42537502-AC-A. GRCh37 (hg19) VCF-style: chr17-40689520-AC-A.
Other names: short protein forms L164fs.
Identifiers: ClinVar variation 2949063 (VCV002949063.3), dbSNP rs2510652219, ClinGen allele CA2740095361.

ClinVar aggregate classification (germline): Pathogenic (1 of 4 stars; one submission).

Conditions:
Charcot-Marie-Tooth disease axonal type 2V. Also called: CHARCOT-MARIE-TOOTH NEUROPATHY, TYPE 2V; CHARCOT-MARIE-TOOTH DISEASE, AXONAL, AUTOSOMAL DOMINANT, TYPE 2V. Identifiers: Orphanet 447964, MedGen C5569050, MONDO:0014665, OMIM 616491.
Mucopolysaccharidosis, MPS-III-B (MPS3B). Also called: N-ACETYL-ALPHA-D-GLUCOSAMINIDASE DEFICIENCY; NAGLU DEFICIENCY; SANFILIPPO SYNDROME B; MPS III B; Mucopolysaccharidosis type IIIB (Sanfilippo B); MUCOPOLYSACCHARIDOSIS, TYPE IIIB. Identifiers: Orphanet 79270, MedGen C0086648, MONDO:0009656, OMIM 252920.

Submission:

Labcorp Genetics (formerly Invitae), Labcorp
Classification: Pathogenic for Charcot-Marie-Tooth disease axonal type 2V; Mucopolysaccharidosis, MPS-III-B. Last evaluated: 2023-06-20. Review status: criteria provided, single submitter. Criteria: Invitae Variant Classification Sherloc (09022015). Collection method: clinical testing. Allele origin: germline.
Comment: For these reasons, this variant has been classified as Pathogenic. This variant has not been reported in the literature in individuals affected with NAGLU-related conditions. This variant is not present in population databases (gnomAD no frequency). This sequence change creates a premature translational stop signal (p.Leu164Trpfs*21) in the NAGLU gene. It is expected to result in an absent or disrupted protein product. Loss-of-function variants in NAGLU are known to be pathogenic (PMID: 9832037, 10094189, 16151907).

Literature cited by the submitters: PubMed 9832037; PubMed 10094189; PubMed 16151907.